The following is an entry in ClinVar:

ClinVar aggregate classification (germline): Uncertain significance (1 of 4 stars; one submission).

Conditions:
Gnathodiaphyseal dysplasia (GDD). Also called: GNATHODIAPHYSEAL SCLEROSIS; OSTEOGENESIS IMPERFECTA WITH UNUSUAL SKELETAL LESIONS. Identifiers: Orphanet 53697, MedGen C1833736, MONDO:0008151, OMIM 166260.
Autosomal recessive limb-girdle muscular dystrophy type 2L (LGMDR12). Also called: Limb-girdle muscular dystrophy, type 2L; MUSCULAR DYSTROPHY, LIMB-GIRDLE, AUTOSOMAL RECESSIVE 12; Limb-Girdle Muscular Dystrophy R12 Anoctamin-5-Related (LGMD-R12). Identifiers: Orphanet 206549, MedGen C1969785, MONDO:0012652, OMIM 611307.

Submission:

Labcorp Genetics (formerly Invitae), Labcorp
Classification: Uncertain significance for Autosomal recessive limb-girdle muscular dystrophy type 2L; Gnathodiaphyseal dysplasia. Last evaluated: 2025-11-18. Review status: criteria provided, single submitter. Criteria: Invitae Variant Classification Sherloc (09022015). Collection method: clinical testing. Allele origin: germline.
Comment: This sequence change replaces valine, which is neutral and non-polar, with alanine, which is neutral and non-polar, at codon 862 of the ANO5 protein (p.Val862Ala). The frequency data for this variant in the population databases is considered unreliable, as metrics indicate poor data quality at this position in the gnomAD database. This variant has not been reported in the literature in individuals affected with ANO5-related conditions. ClinVar contains an entry for this variant (Variation ID: 3761387). Invitae Evidence Modeling of protein sequence and biophysical properties (such as structural, functional, and spatial information, amino acid conservation, physicochemical variation, residue mobility, and thermodynamic stability) indicates that this missense variant is not expected to disrupt ANO5 protein function with a negative predictive value of 80%. In summary, the available evidence is currently insufficient to determine the role of this variant in disease. Therefore, it has been classified as a Variant of Uncertain Significance.

NM_213599.3(ANO5):c.2585T>C (p.Val862Ala)

Gene: ANO5 (anoctamin 5; plus strand). Cytogenetic location: 11p14.3.
Variant type: single nucleotide variant.
Coding change: c.2585T>C on transcript NM_213599.3 (MANE Select); coding-DNA position 2585, T replaced by C.
Protein change: p.Val862Ala; replaces valine 862 with alanine.
Molecular consequence: missense variant.
Genome position (GRCh38, 1-based): chr11:22,279,608, T>C. VCF-style: chr11-22279608-T-C. GRCh37 (hg19) VCF-style: chr11-22301154-T-C.
Other names: c.2582T>C, p.Val861Ala (NM_001142649.2); c.2543T>C, p.Val848Ala (NM_001410963.1); c.2540T>C, p.Val847Ala (NM_001410964.1); short protein forms V847A, V848A, V861A, V862A.
Identifiers: ClinVar variation 3761387 (VCV003761387.2).